The following is an entry in ClinVar:

ClinVar aggregate classification (germline): Likely benign (0 of 4 stars; one submission).

Conditions:
NRP2-related disorder. Also called: NRP2-related condition.

gnomAD v4.1: 10 of 1,613,246 alleles (0.00062%); highest among the groups gnomAD compares: Non-Finnish European, 0.00085%; no homozygotes.

Submission:

PreventionGenetics, part of Exact Sciences
Classification: Likely benign for NRP2-related condition. Last evaluated: 2021-07-16. Review status: no assertion criteria provided. Collection method: clinical testing. Allele origin: germline.
Comment: This variant is classified as likely benign based on ACMG/AMP sequence variant interpretation guidelines (Richards et al. 2015 PMID: 25741868, with internal and published modifications).

NM_003872.3(NRP2):c.*3G>T

Gene: NRP2 (neuropilin 2; plus strand). Cytogenetic location: 2q33.3.
Variant type: single nucleotide variant.
Coding change: c.*3G>T on transcript NM_003872.3 (MANE Select); 3 bases downstream of the stop codon, G replaced by T.
Molecular consequence: 3 prime UTR variant.
Genome position (GRCh38, 1-based): chr2:205,795,061, G>T. VCF-style: chr2-205795061-G-T. GRCh37 (hg19) VCF-style: chr2-206659785-G-T.
Other names: c.*3G>T (NM_201266.2, NM_201279.2).
Identifiers: ClinVar variation 3357026 (VCV003357026.1).